The following is an entry in ClinVar:

NM_014425.5(INVS):c.1571+5G>A

Gene: INVS (inversin; plus strand). Cytogenetic location: 9q31.1.
Variant type: single nucleotide variant.
Coding change: c.1571+5G>A on transcript NM_014425.5 (MANE Select); 5 bases into the intron after coding-DNA position 1571, G replaced by A.
Molecular consequence: intron variant.
Genome position (GRCh38, 1-based): chr9:100,264,933, G>A. VCF-style: chr9-100264933-G-A. GRCh37 (hg19) VCF-style: chr9-103027215-G-A.
Other names: c.1283+5G>A (NM_001318381.2); c.593+5G>A (NM_001318382.2).
Identifiers: ClinVar variation 1011452 (VCV001011452.6), dbSNP rs1832740394, ClinGen allele CA1867745894.

ClinVar aggregate classification (germline): Uncertain significance (1 of 4 stars; one submission).

Conditions:
Nephronophthisis. Also called: Juvenile Nephronophthisis. Identifiers: Orphanet 655, MedGen C0687120, MONDO:0019005, HP:0000090.

Submission:

Labcorp Genetics (formerly Invitae), Labcorp
Classification: Uncertain significance for Nephronophthisis. Last evaluated: 2020-04-17. Review status: criteria provided, single submitter. Criteria: Invitae Variant Classification Sherloc (09022015). Collection method: clinical testing. Allele origin: germline.
Comment: This variant has not been reported in the literature in individuals with INVS-related conditions. This sequence change falls in intron 11 of the INVS gene. It does not directly change the encoded amino acid sequence of the INVS protein, but it affects a nucleotide within the consensus splice site of the intron. This variant is not present in population databases (ExAC no frequency). Nucleotide substitutions within the consensus splice site are a relatively common cause of aberrant splicing (PMID: 17576681, 9536098). Algorithms developed to predict the effect of sequence changes on RNA splicing suggest that this variant may disrupt the consensus splice site, but this prediction has not been confirmed by published transcriptional studies. In summary, the available evidence is currently insufficient to determine the role of this variant in disease. Therefore, it has been classified as a Variant of Uncertain Significance.

Literature cited by the submitters: PubMed 17576681; PubMed 9536098.